The following is an entry in ClinVar:

NM_152309.3(PIK3AP1):c.814T>G (p.Leu272Val)

Gene: PIK3AP1 (phosphoinositide-3-kinase adaptor protein 1; minus strand). Cytogenetic location: 10q24.1.
Variant type: single nucleotide variant.
Coding change: c.814T>G on transcript NM_152309.3 (MANE Select); coding-DNA position 814, T replaced by G.
Protein change: p.Leu272Val; replaces leucine 272 with valine.
Molecular consequence: missense variant.
Genome position (GRCh38, 1-based): chr10:96,651,550, A>C on the plus strand (T>G on the coding strand, the complement: PIK3AP1 is on the minus strand). VCF-style: chr10-96651550-A-C. GRCh37 (hg19) VCF-style: chr10-98411307-A-C.
Other names: short protein forms L272V.
Identifiers: ClinVar variation 1485978 (VCV001485978.8), dbSNP rs2134234232, ClinGen allele CA377747267.

ClinVar aggregate classification (germline): Uncertain significance (1 of 4 stars; one submission).

Conditions:
Infantile spasms. Also called: Infantile spasm. Identifiers: MedGen C3887898, HP:0012469.

Submission:

Labcorp Genetics (formerly Invitae), Labcorp
Classification: Uncertain significance for Infantile spasms. Last evaluated: 2021-05-14. Review status: criteria provided, single submitter. Criteria: Invitae Variant Classification Sherloc (09022015). Collection method: clinical testing. Allele origin: germline.
Comment: In summary, the available evidence is currently insufficient to determine the role of this variant in disease. Therefore, it has been classified as a Variant of Uncertain Significance. Algorithms developed to predict the effect of missense changes on protein structure and function are either unavailable or do not agree on the potential impact of this missense change (SIFT: "Deleterious"; PolyPhen-2: "Probably Damaging"; Align-GVGD: "Class C0"). This variant has not been reported in the literature in individuals with PIK3AP1-related conditions. This variant is not present in population databases (ExAC no frequency). This sequence change replaces leucine with valine at codon 272 of the PIK3AP1 protein (p.Leu272Val). The leucine residue is highly conserved and there is a small physicochemical difference between leucine and valine.